The following is an entry in ClinVar:

ClinVar aggregate classification (germline): Uncertain significance. Review status: criteria provided, multiple submitters, no conflicts (2 of 4 stars). 3 submissions from 3 submitters: Uncertain significance (3). Last evaluated 2025-05-13.

Conditions:
Cerebellar ataxia, impaired intellectual development, and dysequilibrium syndrome 2. Also called: Cerebellar ataxia, intellectual disability, and dysequilibrium syndrome 2; CEREBELLAR ATAXIA, MENTAL RETARDATION, AND DYSEQUILIBRIUM SYNDROME 2; CEREBELLAR ATAXIA AND MENTAL RETARDATION WITH OR WITHOUT QUADRUPEDAL LOCOMOTION 2. Identifiers: Orphanet 1766, MedGen C2750234, MONDO:0012430, OMIM 610185.
Inborn genetic diseases. Identifiers: MedGen C0950123, MeSH D030342.

Allele frequency attached by ClinVar (database versions not stated): gnomAD 0.00005; TOPMed 0.00005; gnomAD exomes 0.00002 and 0.00003; ExAC 0.00003; ESP Exome Variant Server 0.00008.
gnomAD v4.1: 37 of 1,612,996 alleles (0.0023%); highest among the groups gnomAD compares: Admixed American, 0.005%; no homozygotes.

Submissions (3):

Ambry Genetics
Classification: Uncertain significance for Inborn genetic diseases. Last evaluated: 2025-05-13. Review status: criteria provided, single submitter. Criteria: Ambry Variant Classification Scheme 2023. Collection method: clinical testing. Allele origin: germline.

Mayo Clinic Laboratories, Mayo Clinic
Classification: Uncertain significance. Last evaluated: 2024-05-02. Review status: criteria provided, single submitter. Criteria: ACMG Guidelines, 2015. Collection method: clinical testing. Allele origin: germline. Observed: 1 variant allele.
Comment: BP4, PM2_moderate

Baylor Genetics
Classification: Uncertain significance for Cerebellar ataxia, impaired intellectual development, and dysequilibrium syndrome 2. Last evaluated: 2018-06-21. Review status: criteria provided, single submitter. Criteria: ACMG Guidelines, 2015. Collection method: clinical testing. Allele origin: unknown. Affected: yes.
Comment: This variant was determined to be of uncertain significance according to ACMG Guidelines, 2015 [PMID:25741868].

NM_001163809.2(WDR81):c.5659G>A (p.Val1887Met)

Gene: WDR81 (WD repeat domain 81; plus strand). Cytogenetic location: 17p13.3.
Variant type: single nucleotide variant.
Coding change: c.5659G>A on transcript NM_001163809.2 (MANE Select); coding-DNA position 5659, G replaced by A.
Protein change: p.Val1887Met; replaces valine 1887 with methionine.
Molecular consequence: missense variant.
Genome position (GRCh38, 1-based): chr17:1,737,518, G>A. VCF-style: chr17-1737518-G-A. GRCh37 (hg19) VCF-style: chr17-1640812-G-A.
Other names: p.Val1887Met; c.2050G>A, p.Val684Met (NM_001163673.2); c.1978G>A, p.Val660Met (NM_001163811.2); c.2506G>A, p.Val836Met (NM_152348.4); short protein forms V660M, V836M, V1887M, V684M.
Identifiers: ClinVar variation 1031894 (VCV001031894.3), dbSNP rs200284291, ClinGen allele CA8273941.